The following is an entry in ClinVar:

NM_020975.6(RET):c.1477T>C (p.Ser493Pro)

Gene: RET (ret proto-oncogene; plus strand). Cytogenetic location: 10q11.21.
Variant type: single nucleotide variant.
Coding change: c.1477T>C on transcript NM_020975.6 (MANE Select); coding-DNA position 1477, T replaced by C.
Protein change: p.Ser493Pro; replaces serine 493 with proline.
Molecular consequence: missense variant.
Genome position (GRCh38, 1-based): chr10:43,111,420, T>C. VCF-style: chr10-43111420-T-C. GRCh37 (hg19) VCF-style: chr10-43606868-T-C.
Other names: c.1477T>C, p.Ser493Pro (NM_000323.2, NM_001406743.1, NM_001406744.1 and 6 more transcripts); c.715T>C, p.Ser239Pro (NM_001355216.2); c.1348T>C, p.Ser450Pro (NM_001406761.1, NM_001406762.1, NM_001406764.1 and 1 more transcripts); c.1189T>C, p.Ser397Pro (NM_001406766.1, NM_001406767.1, NM_001406770.1); c.1081T>C, p.Ser361Pro (NM_001406769.1, NM_001406772.1); c.1039T>C, p.Ser347Pro (NM_001406771.1, NM_001406773.1); c.952T>C, p.Ser318Pro (NM_001406774.1); c.751T>C, p.Ser251Pro (NM_001406775.1, NM_001406776.1, NM_001406777.1 and 1 more transcripts); and 1 more; short protein forms S239P, S493P, S318P, S361P, S347P, S163P, S251P, S397P.
Identifiers: ClinVar variation 954387 (VCV000954387.13), dbSNP rs780467203, ClinGen allele CA033829.

ClinVar aggregate classification (germline): Uncertain significance. Review status: criteria provided, multiple submitters, no conflicts (2 of 4 stars). 2 submissions from 2 submitters: Uncertain significance (2). Last evaluated 2024-11-16.

Conditions:
Hereditary cancer-predisposing syndrome. Also called: Hereditary neoplastic syndrome; Tumor predisposition; Neoplastic Syndromes, Hereditary; Hereditary Cancer Syndrome. Identifiers: Orphanet 140162, MedGen C0027672, MeSH D009386, MONDO:0015356.
Multiple endocrine neoplasia, type 2 (MEN2). Identifiers: Orphanet 653, MedGen C4048306, MONDO:0019003. Disease mechanism: gain of function.

Allele frequency attached by ClinVar (database versions not stated): gnomAD exomes below 0.00001; ExAC 0.00001.
gnomAD v4.1: 3 of 1,613,674 alleles (0.00019%); highest among the groups gnomAD compares: South Asian, 0.0011%; no homozygotes.

Submissions (2):

Ambry Genetics
Classification: Uncertain significance for Hereditary cancer-predisposing syndrome. Last evaluated: 2024-11-16. Review status: criteria provided, single submitter. Criteria: Ambry Variant Classification Scheme 2023. Collection method: clinical testing. Allele origin: germline.
Comment: The p.S493P variant (also known as c.1477T>C), located in coding exon 7 of the RET gene, results from a T to C substitution at nucleotide position 1477. The serine at codon 493 is replaced by proline, an amino acid with similar properties. This amino acid position is conserved. In addition, this alteration is predicted to be tolerated by in silico analysis. Since supporting evidence is limited at this time, the clinical significance of this alteration remains unclear.

Labcorp Genetics (formerly Invitae), Labcorp
Classification: Uncertain significance for Multiple endocrine neoplasia, type 2. Last evaluated: 2023-10-18. Review status: criteria provided, single submitter. Criteria: Invitae Variant Classification Sherloc (09022015). Collection method: clinical testing. Allele origin: germline.
Comment: This sequence change replaces serine, which is neutral and polar, with proline, which is neutral and non-polar, at codon 493 of the RET protein (p.Ser493Pro). This variant is present in population databases (rs780467203, gnomAD 0.0009%). This variant has not been reported in the literature in individuals affected with RET-related conditions. ClinVar contains an entry for this variant (Variation ID: 954387). An algorithm developed to predict the effect of missense changes on protein structure and function (PolyPhen-2) suggests that this variant is likely to be tolerated. In summary, the available evidence is currently insufficient to determine the role of this variant in disease. Therefore, it has been classified as a Variant of Uncertain Significance.